The following is an entry in ClinVar:

ClinVar aggregate classification (germline): Uncertain significance (1 of 4 stars; one submission).

gnomAD v4.1: 1 of 1,614,126 alleles (0.000062%); highest among the groups gnomAD compares: African/African-American, 0.0013%; no homozygotes.

Submission:

Labcorp Genetics (formerly Invitae), Labcorp
Classification: Uncertain significance. Last evaluated: 2024-06-02. Review status: criteria provided, single submitter. Criteria: Invitae Variant Classification Sherloc (09022015). Collection method: clinical testing. Allele origin: germline.
Comment: This sequence change replaces proline, which is neutral and non-polar, with threonine, which is neutral and polar, at codon 774 of the COL4A1 protein (p.Pro774Thr). This variant is present in population databases (rs758566775, gnomAD 0.0009%). This variant has not been reported in the literature in individuals affected with COL4A1-related conditions. An algorithm developed to predict the effect of missense changes on protein structure and function (PolyPhen-2) suggests that this variant is likely to be disruptive. In summary, the available evidence is currently insufficient to determine the role of this variant in disease. Therefore, it has been classified as a Variant of Uncertain Significance.

NM_001845.6(COL4A1):c.2320C>A (p.Pro774Thr)

Gene: COL4A1 (collagen type IV alpha 1 chain; minus strand). Cytogenetic location: 13q34.
Variant type: single nucleotide variant.
Coding change: c.2320C>A on transcript NM_001845.6 (MANE Select); coding-DNA position 2320, C replaced by A.
Protein change: p.Pro774Thr; replaces proline 774 with threonine.
Molecular consequence: missense variant.
Genome position (GRCh38, 1-based): chr13:110,179,295, G>T on the plus strand (C>A on the coding strand, the complement: COL4A1 is on the minus strand). VCF-style: chr13-110179295-G-T. GRCh37 (hg19) VCF-style: chr13-110831642-G-T.
Other names: short protein forms P774T.
Identifiers: ClinVar variation 3622373 (VCV003622373.2).